The following is an entry in ClinVar:

NM_000138.5(FBN1):c.5788+5G>T

Gene: FBN1 (fibrillin 1; minus strand). Cytogenetic location: 15q21.1.
Variant type: single nucleotide variant.
Coding change: c.5788+5G>T on transcript NM_000138.5 (MANE Select); 5 bases into the intron after coding-DNA position 5788, G replaced by T.
Molecular consequence: intron variant.
Genome position (GRCh38, 1-based): chr15:48,446,701, C>A on the plus strand (G>T on the coding strand, the complement: FBN1 is on the minus strand). VCF-style: chr15-48446701-C-A. GRCh37 (hg19) VCF-style: chr15-48738898-C-A.
Identifiers: ClinVar variation 36095 (VCV000036095.23), dbSNP rs193922219, ClinGen allele CA016073.
Genomic context (GRCh38, chr15:48,446,701, plus strand): 5'-TGCTAATTACAAAGAACACATATAAAACTGACTTCCTTTGCTGATGCACAATTTTGCACA[C>A]GCACCTATACAGTCATTGTTGTGAGAAAGGATGAAACCATGATTGCAGCGGCAGTTGAAG-3'

ClinVar aggregate classification (germline): Pathogenic/Likely pathogenic. Review status: criteria provided, multiple submitters, no conflicts (2 of 4 stars). 5 submissions from 5 submitters: Pathogenic (2); Likely pathogenic (2). 1 of the submissions does not count toward it. Last evaluated 2025-01-06.

Conditions:
Marfan Syndrome/Loeys-Dietz Syndrome/Familial Thoracic Aortic Aneurysms and Dissections. Identifiers: MedGen CN229799.
Familial thoracic aortic aneurysm and aortic dissection (TAAD). Also called: Thoracic aortic aneurysms and dissections. Identifiers: Orphanet 91387, MedGen C4707243, MONDO:0019625.
Marfan syndrome (MFS). Also called: FBN1-Related Marfan Syndrome; Marfan syndrome type 1; Marfan's syndrome; Marfan syndrome, classic; MARFAN SYNDROME, TYPE I. Identifiers: Orphanet 284963, Orphanet 558, MedGen C0024796, MONDO:0007947, OMIM 154700.

Submissions (5):

Labcorp Genetics (formerly Invitae), Labcorp
Classification: Pathogenic for Marfan syndrome; Familial thoracic aortic aneurysm and aortic dissection. Last evaluated: 2025-01-06. Review status: criteria provided, single submitter. Criteria: Invitae Variant Classification Sherloc (09022015). Collection method: clinical testing. Allele origin: germline.
Comment: This sequence change falls in intron 47 of the FBN1 gene. It does not directly change the encoded amino acid sequence of the FBN1 protein. It affects a nucleotide within the consensus splice site. This variant is not present in population databases (gnomAD no frequency). This variant has been observed in individual(s) with Marfan syndrome (PMID: 18435798, 25907466, 35741789). ClinVar contains an entry for this variant (Variation ID: 36095). Variants that disrupt the consensus splice site are a relatively common cause of aberrant splicing (PMID: 17576681, 9536098). Algorithms developed to predict the effect of sequence changes on RNA splicing suggest that this variant may disrupt the consensus splice site. This variant disrupts the c.5788+5G nucleotide in the FBN1 gene. Other variant(s) that disrupt this nucleotide have been determined to be pathogenic (PMID: 14695540, 16222657, 17657824, 25053872). This suggests that this nucleotide is clinically significant, and that variants that disrupt this position are likely to be disease-causing. For these reasons, this variant has been classified as Pathogenic.

Women's Health and Genetics/Laboratory Corporation of America, LabCorp
Classification: Pathogenic for Marfan Syndrome/Loeys-Dietz Syndrome/Familial Thoracic Aortic Aneurysms and Dissections. Last evaluated: 2024-06-27. Review status: criteria provided, single submitter. Criteria: LabCorp Variant Classification Summary - May 2015. Collection method: clinical testing. Allele origin: germline.
Comment: Variant summary: FBN1 c.5788+5G>T alters a conserved nucleotide located close to a canonical splice site and therefore could affect mRNA splicing, leading to a significantly altered protein sequence. Several computational tools predict a significant impact on normal splicing: Three predict the variant abolishes a 5' splicing donor site. One predicts the variant weakens a 5' donor site. However, these predictions have yet to be confirmed by functional studies. The frequency data for this variant in gnomAD is considered unreliable, as metrics indicate poor data quality at this position. c.5788+5G>T has been reported in the literature in the heterozygous state in multiple individuals affected with a diagnosis of or clinical features consistent with Marfan Syndrome (example, Attanasio_2008, Jimenez_2022, Proost_2015, Meester_2022, Xu_2020). These data indicate that the variant is very likely to be associated with disease. To our knowledge, no experimental evidence demonstrating an impact on protein function has been reported. However, we note that a different splice variant at this site, c.5788+5G>A, has been classified as pathogenic by our laboratory. The following publications have been ascertained in the context of this evaluation (PMID: 18435798, 35741789, 35058154, 25907466, 31830381). ClinVar contains an entry for this variant (Variation ID: 36095). Based on the evidence outlined above, the variant was classified as pathogenic.

Victorian Clinical Genetics Services, Murdoch Childrens Research Institute
Classification: Likely pathogenic for Marfan syndrome. Last evaluated: 2022-06-24. Review status: criteria provided, single submitter. Criteria: ACMG Guidelines, 2015. Collection method: clinical testing. Allele origin: germline. Inheritance: Autosomal dominant inheritance. Affected: yes.
Comment: Based on the classification scheme VCGS_Germline_v1.3.4, this variant is classified as Likely pathogenic. Following criteria are met: 0103 - Dominant negative and loss of function are known mechanisms of disease in this gene and are associated with FBN1-related disease. Null variants with loss of function effects are more commonly associated with severe Marfan syndrome (MIM#154700). Missense variants with both dominant negative and loss of function effects are associated with Marfan syndrome and ectopia lentis (MIM#129600) (OMIM, PMID: 29357934). The exact genotype-phenotype correlation for this gene is still unclear and is compounded by variable expressivity (GeneReviews). (I) 0107 - This gene is predominantly associated with autosomal dominant disease; autosomal recessive forms of Marfan syndrome have been reported infrequently (PMID: 27274304; 31950671). 0115 - Variants in this gene are known to have variable expressivity. The genotype-phenotype correlations for this gene are unclear, with single variants reported in patients with a range of phenotypes (GeneReviews, OMIM). (I) 0212 - Non-canonical splice site variant without proven consequence on splicing (no functional evidence available). (SP) 0251 - This variant is heterozygous. (I) 0301 - Variant is absent from gnomAD (both v2 and v3). (SP) 0505 - Abnormal splicing is predicted by in silico tools and affected nucleotide is highly conserved. (SP) 0702 - Another splice site variant comparable to the one identified in this case has strong previous evidence for pathogenicity. c.5788+5G>A has multiple entries in the FBN1 Universal Mutation Database (UMD), with the majority of patients listed as having classic Marfan syndrome and is consistently classified as pathogenic in ClinVar. Additionally, RT-PCR analysis of cultured fibroblasts from a proband revealed that this variant causes in-frame skipping of exon 47 and a small amount of abnormally spliced transcripts utilized a cryptic splice donor or a cryptic splice acceptor (PMID: 7611299). (SP) 0804 - This variant has previously been described as a variant of uncertain significance in multiple independent cases with consistent phenotype despite being absent in the general population. It has been identified at least two individuals with Marfan Syndrome (PMID: 18435798, 33394117) and classified as a VUS by diagnostic laboratories in ClinVar. (SP) 0905 - No published segregation evidence has been identified for this variant. (I) 1007 - No published functional evidence has been identified for this variant. (I) 1208 - Inheritance information for this variant is not currently available in this individual. (I) Legend: (SP) - Supporting pathogenic, (I) - Information, (SB) - Supporting benign

Centre of Medical Genetics, University of Antwerp
Classification: Likely pathogenic for Marfan syndrome. Last evaluated: 2021-03-01. Review status: criteria provided, single submitter. Criteria: Submitter's publication. Collection method: research. Allele origin: unknown. Affected: yes. Observed: 2 variant alleles.
Comment: PM2, PS1, PP4

Center for Medical Genetics Ghent, University of Ghent
Classification: Uncertain significance for Marfan syndrome. Last evaluated: 2017-11-07. Review status: flagged submission. Collection method: clinical testing. Allele origin: germline. Affected: yes. Not counted in ClinVar's aggregate classification.
ClinVar note: Reason: Older claim that does not account for recent evidence

Literature cited by the submitters: PubMed 18435798 (cited by 3 submitters); PubMed 25907466 (cited by Labcorp Genetics (formerly Invitae), Labcorp and Women's Health and Genetics/Laboratory Corporation of America, LabCorp); PubMed 35741789 (cited by Labcorp Genetics (formerly Invitae), Labcorp and Women's Health and Genetics/Laboratory Corporation of America, LabCorp); PubMed 17576681 (cited by Labcorp Genetics (formerly Invitae), Labcorp); PubMed 9536098 (cited by Labcorp Genetics (formerly Invitae), Labcorp); PubMed 14695540 (cited by Labcorp Genetics (formerly Invitae), Labcorp); PubMed 16222657 (cited by Labcorp Genetics (formerly Invitae), Labcorp); PubMed 17657824 (cited by Labcorp Genetics (formerly Invitae), Labcorp); PubMed 25053872 (cited by Labcorp Genetics (formerly Invitae), Labcorp); PubMed 31830381 (cited by Women's Health and Genetics/Laboratory Corporation of America, LabCorp); PubMed 35058154 (cited by Women's Health and Genetics/Laboratory Corporation of America, LabCorp); PubMed 7611299 (cited by Victorian Clinical Genetics Services, Murdoch Childrens Research Institute); PubMed 27274304 (cited by Victorian Clinical Genetics Services, Murdoch Childrens Research Institute); PubMed 29357934 (cited by Victorian Clinical Genetics Services, Murdoch Childrens Research Institute); PubMed 31950671 (cited by Victorian Clinical Genetics Services, Murdoch Childrens Research Institute); PubMed 33394117 (cited by Victorian Clinical Genetics Services, Murdoch Childrens Research Institute).